The following is an entry in ClinVar:

ClinVar aggregate classification (germline): Conflicting classifications of pathogenicity. Review status: criteria provided, conflicting classifications (1 of 4 stars). 4 submissions from 4 submitters: Uncertain significance (2); Likely benign (1). 1 of the submissions does not count toward it. Last evaluated 2025-01-30.

Conditions:
ABCC2-related disorder. Also called: ABCC2-related condition.

Allele frequency attached by ClinVar (database versions not stated): gnomAD exomes 0.00006 and 0.00015; gnomAD 0.00054 and 0.00062; ESP Exome Variant Server 0.00062; 1000 Genomes Project 0.00020; TOPMed 0.00060; ExAC 0.00019; 1000 Genomes Project 30x 0.00016.
gnomAD v4.1: 169 of 1,614,056 alleles (0.01%); highest among the groups gnomAD compares: African/African-American, 0.21%; no homozygotes.

Submissions (4):

Labcorp Genetics (formerly Invitae), Labcorp
Classification: Likely benign. Last evaluated: 2025-01-30. Review status: criteria provided, single submitter. Criteria: Invitae Variant Classification Sherloc (09022015). Collection method: clinical testing. Allele origin: germline.

Mayo Clinic Laboratories, Mayo Clinic
Classification: Uncertain significance. Last evaluated: 2024-07-09. Review status: criteria provided, single submitter. Criteria: ACMG Guidelines, 2015. Collection method: clinical testing. Allele origin: germline. Observed: 1 variant allele.

Eurofins Ntd Llc (ga)
Classification: Uncertain significance. Last evaluated: 2017-12-29. Review status: criteria provided, single submitter. Criteria: EGL Classification Definitions 2015. Collection method: clinical testing. Allele origin: germline. Observed: 7 variant alleles, 7 heterozygotes.

PreventionGenetics, part of Exact Sciences
Classification: Likely benign for ABCC2-related condition. Last evaluated: 2023-02-17. Review status: no assertion criteria provided. Collection method: clinical testing. Allele origin: germline. Not counted in ClinVar's aggregate classification.
Comment: This variant is classified as likely benign based on ACMG/AMP sequence variant interpretation guidelines (Richards et al. 2015 PMID: 25741868, with internal and published modifications).

NM_000392.5(ABCC2):c.4071G>C (p.Gln1357His)

Gene: ABCC2 (ATP binding cassette subfamily C member 2; plus strand). Cytogenetic location: 10q24.2.
Variant type: single nucleotide variant.
Coding change: c.4071G>C on transcript NM_000392.5 (MANE Select); coding-DNA position 4071, G replaced by C.
Protein change: p.Gln1357His; replaces glutamine 1357 with histidine.
Molecular consequence: missense variant.
Genome position (GRCh38, 1-based): chr10:99,845,707, G>C. VCF-style: chr10-99845707-G-C. GRCh37 (hg19) VCF-style: chr10-101605464-G-C.
Other names: p.Gln1357His; c.4071G>C (NM_000392.4); c.4071G>C, p.Gln1357His (LRG_1208t1); short protein forms Q1357H.
Identifiers: ClinVar variation 290849 (VCV000290849.11), dbSNP rs148393425, ClinGen allele CA5644027.
Genomic context (GRCh38, chr10:99,845,707, plus strand): 5'-AGCTGGAAAGTCATCCCTCACAAACTGCCTCTTCAGAATCTTAGAGGCTGCCGGTGGTCA[G>C]ATTATCATTGATGGAGTAGATATTGCTTCCATTGGGCTCCACGACCTCCGAGAGAAGCTG-3'
Protein context (NP_000383.2, residues 1347-1367): LFRILEAAGG[Gln1357His]IIIDGVDIAS